The following is an entry in ClinVar:

NM_052876.4(NACC1):c.71G>A (p.Arg24Gln)

Gene: NACC1 (nucleus accumbens associated 1; plus strand). Cytogenetic location: 19p13.13.
Variant type: single nucleotide variant.
Coding change: c.71G>A on transcript NM_052876.4 (MANE Select); coding-DNA position 71, G replaced by A.
Protein change: p.Arg24Gln; replaces arginine 24 with glutamine.
Molecular consequence: missense variant.
Genome position (GRCh38, 1-based): chr19:13,135,278, G>A. VCF-style: chr19-13135278-G-A. GRCh37 (hg19) VCF-style: chr19-13246092-G-A.
Other names: short protein forms R24Q.
Identifiers: ClinVar variation 1712884 (VCV001712884.4), dbSNP rs2513135143, ClinGen allele CA404324127.

ClinVar aggregate classification (germline): Uncertain significance. Review status: criteria provided, single submitter (1 of 4 stars). 2 submissions from 2 submitters: Uncertain significance (1). 1 of the submissions does not count toward it. Last evaluated 2022-04-26.

Conditions:
NACC1-related disorder. Also called: NACC1-related condition.

Submissions (2):

GeneDx
Classification: Uncertain significance. Last evaluated: 2022-04-26. Review status: criteria provided, single submitter. Criteria: GeneDx Variant Classification Process June 2021. Collection method: clinical testing. Allele origin: germline. Affected: yes.
Comment: Not observed at significant frequency in large population cohorts (gnomAD); In silico analysis supports that this missense variant has a deleterious effect on protein structure/function; Has not been previously published as pathogenic or benign to our knowledge

PreventionGenetics, part of Exact Sciences
Classification: Likely pathogenic for NACC1-related condition. Last evaluated: 2024-01-05. Review status: no assertion criteria provided. Collection method: clinical testing. Allele origin: germline. Not counted in ClinVar's aggregate classification.
Comment: The NACC1 c.71G>A variant is predicted to result in the amino acid substitution p.Arg24Gln. To our knowledge, this variant has not been reported in the literature or in a large population database, indicating this variant is rare. This variant was observed de novo in two unrelated patients with neurodevelopmental anomalies (Internal data, PreventionGenetics). We interpret this variant as likely pathogenic.